The following is an entry in ClinVar:

ClinVar aggregate classification (germline): Uncertain significance (1 of 4 stars; one submission).

Conditions:
Hereditary cancer-predisposing syndrome. Also called: Hereditary neoplastic syndrome; Neoplastic Syndromes, Hereditary; Tumor predisposition; Hereditary Cancer Syndrome. Identifiers: Orphanet 140162, MedGen C0027672, MeSH D009386, MONDO:0015356.

Submission:

Ambry Genetics
Classification: Uncertain significance for Hereditary cancer-predisposing syndrome. Last evaluated: 2025-02-06. Review status: criteria provided, single submitter. Criteria: Ambry Variant Classification Scheme 2023. Collection method: clinical testing. Allele origin: germline.
Comment: The p.L1087F variant (also known as c.3259C>T), located in coding exon 27 of the EGFR gene, results from a C to T substitution at nucleotide position 3259. The leucine at codon 1087 is replaced by phenylalanine, an amino acid with highly similar properties. This amino acid position is conserved. In addition, this alteration is predicted to be tolerated by in silico analysis. Based on the available evidence, the clinical significance of this variant remains unclear.

NM_005228.5(EGFR):c.3259C>T (p.Leu1087Phe)

Gene: EGFR (epidermal growth factor receptor; plus strand). Cytogenetic location: 7p11.2.
Variant type: single nucleotide variant.
Coding change: c.3259C>T on transcript NM_005228.5 (MANE Select); coding-DNA position 3259, C replaced by T.
Protein change: p.Leu1087Phe; replaces leucine 1087 with phenylalanine.
Molecular consequence: missense variant.
Genome position (GRCh38, 1-based): chr7:55,202,613, C>T. VCF-style: chr7-55202613-C-T. GRCh37 (hg19) VCF-style: chr7-55270306-C-T.
Other names: c.3124C>T, p.Leu1042Phe (NM_001346897.2, NM_001346899.2); c.3259C>T, p.Leu1087Phe (NM_001346898.2); c.3100C>T, p.Leu1034Phe (NM_001346900.2); c.2458C>T, p.Leu820Phe (NM_001346941.2); short protein forms L1042F, L820F, L1087F, L1034F.
Identifiers: ClinVar variation 3843823 (VCV003843823.1).